The following is an entry in ClinVar:

NM_007214.5(SEC63):c.184C>T (p.Arg62Trp)

Gene: SEC63 (SEC63 protein translocation regulator; minus strand). Cytogenetic location: 6q21.
Variant type: single nucleotide variant.
Coding change: c.184C>T on transcript NM_007214.5 (MANE Select); coding-DNA position 184, C replaced by T.
Protein change: p.Arg62Trp; replaces arginine 62 with tryptophan.
Molecular consequence: missense variant.
Genome position (GRCh38, 1-based): chr6:107,929,455, G>A on the plus strand (C>T on the coding strand, the complement: SEC63 is on the minus strand). VCF-style: chr6-107929455-G-A. GRCh37 (hg19) VCF-style: chr6-108250659-G-A.
Other names: short protein forms R62W.
Identifiers: ClinVar variation 2186340 (VCV002186340.5), dbSNP rs765786241, ClinGen allele CA3947826.

ClinVar aggregate classification (germline): Uncertain significance. Review status: criteria provided, multiple submitters, no conflicts (2 of 4 stars). 2 submissions from 2 submitters: Uncertain significance (2). Last evaluated 2025-04-17.

Allele frequency attached by ClinVar (database versions not stated): ExAC 0.00002; gnomAD 0.00002; TOPMed 0.00003; gnomAD exomes 0.00004.
gnomAD v4.1: 63 of 1,600,532 alleles (0.0039%); highest among the groups gnomAD compares: South Asian, 0.012%; no homozygotes.

Submissions (2):

Labcorp Genetics (formerly Invitae), Labcorp
Classification: Uncertain significance. Last evaluated: 2025-04-17. Review status: criteria provided, single submitter. Criteria: Invitae Variant Classification Sherloc (09022015). Collection method: clinical testing. Allele origin: germline.
Comment: This sequence change replaces arginine, which is basic and polar, with tryptophan, which is neutral and slightly polar, at codon 62 of the SEC63 protein (p.Arg62Trp). This variant is present in population databases (rs765786241, gnomAD 0.007%). This variant has not been reported in the literature in individuals affected with SEC63-related conditions. ClinVar contains an entry for this variant (Variation ID: 2186340). An algorithm developed to predict the effect of missense changes on protein structure and function (PolyPhen-2) suggests that this variant is likely to be disruptive. In summary, the available evidence is currently insufficient to determine the role of this variant in disease. Therefore, it has been classified as a Variant of Uncertain Significance.

Blueprint Genetics
Classification: Uncertain significance. Last evaluated: 2024-09-04. Review status: criteria provided, single submitter. Criteria: ACMG Guidelines, 2015. Collection method: clinical testing. Allele origin: germline.